The following is an entry in ClinVar:

NM_014141.6(CNTNAP2):c.2944G>C (p.Glu982Gln)

Genes: CNTNAP2 (contactin associated protein 2; plus strand), LOC126860216 (BRD4-independent group 4 enhancer GRCh37_chr7:147868766-147869965; plus strand). Cytogenetic location: 7q35.
Variant type: single nucleotide variant.
Coding change: c.2944G>C on transcript NM_014141.6 (MANE Select); coding-DNA position 2944, G replaced by C.
Protein change: p.Glu982Gln; replaces glutamic acid 982 with glutamine.
Molecular consequence: missense variant.
Genome position (GRCh38, 1-based): chr7:148,172,412, G>C. VCF-style: chr7-148172412-G-C. GRCh37 (hg19) VCF-style: chr7-147869504-G-C.
Other names: short protein forms E982Q.
Identifiers: ClinVar variation 3369738 (VCV003369738.1).

ClinVar aggregate classification (germline): Uncertain significance (1 of 4 stars; one submission).

Submission:

GeneDx
Classification: Uncertain significance. Last evaluated: 2024-02-23. Review status: criteria provided, single submitter. Criteria: GeneDx Variant Classification Process June 2021. Collection method: clinical testing. Allele origin: germline. Affected: yes.
Comment: Not observed at significant frequency in large population cohorts (gnomAD); In silico analysis supports that this missense variant has a deleterious effect on protein structure/function; Has not been previously published as pathogenic or benign to our knowledge